The following is an entry in ClinVar:

ClinVar aggregate classification (germline): Uncertain significance. Review status: criteria provided, multiple submitters, no conflicts (2 of 4 stars). 2 submissions from 2 submitters: Uncertain significance (2). Last evaluated 2025-06-23.

Conditions:
Wilson disease (WND). Also called: Wilson's disease. Identifiers: Orphanet 905, MedGen C0019202, MONDO:0010200, OMIM 277900. Disease mechanism: loss of function.

gnomAD v4.1: 2 of 1,614,154 alleles (0.00012%); highest among the groups gnomAD compares: African/African-American, 0.0027%; no homozygotes.

Submissions (2):

Color Diagnostics, LLC DBA Color Health
Classification: Uncertain significance for Wilson disease. Last evaluated: 2025-06-23. Review status: criteria provided, single submitter. Criteria: ACMG Guidelines, 2015. Collection method: clinical testing. Allele origin: germline.
Comment: This missense variant replaces serine with arginine at codon 15 of the ATP7B protein. Computational prediction suggests that this variant may not impact protein structure and function. To our knowledge, functional studies have not been reported for this variant. This variant has not been reported in individuals affected with ATP7B-related disorders in the literature. This variant has been identified in 2/249392 chromosomes in the general population by the Genome Aggregation Database (gnomAD). The available evidence is insufficient to determine the role of this variant in disease conclusively. Therefore, this variant is classified as a Variant of Uncertain Significance.

GeneDx
Classification: Uncertain significance. Last evaluated: 2025-01-24. Review status: criteria provided, single submitter. Criteria: GeneDx Variant Classification Process June 2021. Collection method: clinical testing. Allele origin: germline. Affected: yes.
Comment: Not observed at significant frequency in large population cohorts (gnomAD); In silico analysis indicates that this missense variant does not alter protein structure/function; Has not been previously published as pathogenic or benign to our knowledge

NM_000053.4(ATP7B):c.45T>G (p.Ser15Arg)

Gene: ATP7B (ATPase copper transporting beta; minus strand). Cytogenetic location: 13q14.3.
Variant type: single nucleotide variant.
Coding change: c.45T>G on transcript NM_000053.4 (MANE Select); coding-DNA position 45, T replaced by G.
Protein change: p.Ser15Arg; replaces serine 15 with arginine.
Molecular consequence: missense variant. On other transcripts: 5 prime UTR variant (3).
Genome position (GRCh38, 1-based): chr13:52,011,293, A>C on the plus strand (T>G on the coding strand, the complement: ATP7B is on the minus strand). VCF-style: chr13-52011293-A-C. GRCh37 (hg19) VCF-style: chr13-52585429-A-C.
Other names: c.45T>G, p.Ser15Arg (NM_001005918.3, NM_001243182.2, NM_001330578.2 and 30 more transcripts); c.-143T>G (NM_001406518.1); c.-85T>G (NM_001406539.1, NM_001406543.1); short protein forms S15R.
Identifiers: ClinVar variation 4071632 (VCV004071632.2).